The following is an entry in ClinVar:

ClinVar aggregate classification (germline): Uncertain significance (1 of 4 stars; one submission).

Conditions:
Hereditary cancer-predisposing syndrome. Also called: Neoplastic Syndromes, Hereditary; Tumor predisposition; Hereditary Cancer Syndrome; Hereditary neoplastic syndrome. Identifiers: Orphanet 140162, MedGen C0027672, MeSH D009386, MONDO:0015356.

Submission:

Color Diagnostics, LLC DBA Color Health
Classification: Uncertain significance for Hereditary cancer-predisposing syndrome. Last evaluated: 2024-03-06. Review status: criteria provided, single submitter. Criteria: ACMG Guidelines, 2015. Collection method: clinical testing. Allele origin: germline.
Comment: This missense variant replaces aspartic acid with alanine at codon 1860 of the APC protein. Computational prediction tool is inconclusive regarding the impact of this variant on protein structure and function (internally defined REVEL score threshold 0.5 < inconclusive < 0.7, PMID: 27666373). Splice site prediction tools suggest that this variant may not impact RNA splicing. To our knowledge, functional studies have not been performed for this variant. This variant has not been reported in individuals affected with hereditary cancer in the literature. This variant has not been identified in the general population by the Genome Aggregation Database (gnomAD). The available evidence is insufficient to determine the role of this variant in disease conclusively. Therefore, this variant is classified as a Variant of Uncertain Significance.

NM_000038.6(APC):c.5579A>C (p.Asp1860Ala)

Gene: APC (APC regulator of Wnt signaling pathway; plus strand). Cytogenetic location: 5q22.2.
Variant type: single nucleotide variant.
Coding change: c.5579A>C on transcript NM_000038.6 (MANE Select); coding-DNA position 5579, A replaced by C.
Protein change: p.Asp1860Ala; replaces aspartic acid 1860 with alanine.
Molecular consequence: missense variant.
Genome position (GRCh38, 1-based): chr5:112,841,173, A>C. VCF-style: chr5-112841173-A-C. GRCh37 (hg19) VCF-style: chr5-112176870-A-C.
Other names: c.5579A>C, p.Asp1860Ala (NM_001127510.3, NM_001354895.2); c.5525A>C, p.Asp1842Ala (NM_001127511.3); c.5633A>C, p.Asp1878Ala (NM_001354896.2); c.5609A>C, p.Asp1870Ala (NM_001354897.2); c.5504A>C, p.Asp1835Ala (NM_001354898.2); c.5495A>C, p.Asp1832Ala (NM_001354899.2); c.5456A>C, p.Asp1819Ala (NM_001354900.2); c.5402A>C, p.Asp1801Ala (NM_001354901.2); and 5 more; short protein forms D1700A, D1769A, D1878A, D1734A, D1842A, D1860A, D1870A, D1577A.
Identifiers: ClinVar variation 926765 (VCV000926765.4), dbSNP rs1765983464, ClinGen allele CA16033538.
Genomic context (GRCh38, chr5:112,841,173, plus strand): 5'-TTGATTCACCTCATCATTACACGCCTATTGAAGGAACTCCTTACTGTTTTTCACGAAATG[A>C]TTCTTTGAGTTCTCTAGATTTTGATGATGATGATGTTGACCTTTCCAGGGAAAAGGCTGA-3'
Protein context (NP_000029.2, residues 1850-1870): EGTPYCFSRN[Asp1860Ala]SLSSLDFDDD